The following is an entry in ClinVar:

ClinVar aggregate classification (germline): Uncertain significance (1 of 4 stars; one submission).

Conditions:
Hereditary cancer-predisposing syndrome. Also called: Neoplastic Syndromes, Hereditary; Tumor predisposition; Hereditary Cancer Syndrome; Hereditary neoplastic syndrome. Identifiers: Orphanet 140162, MedGen C0027672, MeSH D009386, MONDO:0015356.

Submission:

Ambry Genetics
Classification: Uncertain significance for Hereditary cancer-predisposing syndrome. Last evaluated: 2026-01-02. Review status: criteria provided, single submitter. Criteria: Ambry Variant Classification Scheme 2023. Collection method: clinical testing. Allele origin: germline.
Comment: The p.Q416* variant (also known as c.1246C>T), located in coding exon 10 of the POLD1 gene, results from a C to T substitution at nucleotide position 1246. This alteration is expected to result in protein truncation or nonsense-mediated mRNA decay. However, loss of function has not been established as a mechanism of disease. Based on the available evidence, the clinical significance of this alteration remains unclear.

NM_002691.4(POLD1):c.1246C>T (p.Gln416Ter)

Gene: POLD1 (DNA polymerase delta 1, catalytic subunit; plus strand). Cytogenetic location: 19q13.33.
Variant type: single nucleotide variant.
Coding change: c.1246C>T on transcript NM_002691.4 (MANE Select); coding-DNA position 1246, C replaced by T.
Protein change: p.Gln416Ter; replaces glutamine 416 with a stop codon.
Molecular consequence: nonsense. On other transcripts: non-coding transcript variant (1).
Genome position (GRCh38, 1-based): chr19:50,406,185, C>T. VCF-style: chr19-50406185-C-T. GRCh37 (hg19) VCF-style: chr19-50909442-C-T.
Other names: c.1246C>T, p.Gln416Ter (NM_001256849.1, NM_001308632.1, NM_001438210.1 and 3 more transcripts); short protein forms Q416*.
Identifiers: ClinVar variation 4842785 (VCV004842785.1).